The following is an entry in ClinVar:

NM_000021.4(PSEN1):c.466T>C (p.Tyr156His)

Gene: PSEN1 (presenilin 1; plus strand). Cytogenetic location: 14q24.2.
Variant type: single nucleotide variant.
Coding change: c.466T>C on transcript NM_000021.4 (MANE Select); coding-DNA position 466, T replaced by C.
Protein change: p.Tyr156His; replaces tyrosine 156 with histidine.
Molecular consequence: missense variant.
Genome position (GRCh38, 1-based): chr14:73,173,693, T>C. VCF-style: chr14-73173693-T-C. GRCh37 (hg19) VCF-style: chr14-73640401-T-C.
Other names: c.454T>C, p.Tyr152His (NM_007318.3); short protein forms Y156H, Y152H.
Identifiers: ClinVar variation 2107140 (VCV002107140.4), dbSNP rs2503076413, ClinGen allele CA390305113.
Genomic context (GRCh38, chr14:73,173,693, plus strand): 5'-GCTGCCATCATGATCAGTGTCATTGTTGTCATGACTATCCTCCTGGTGGTTCTGTATAAA[T>C]ACAGGTGCTATAAGGTGAGCATGAGACACAGATCTTTGCTTTCCACCCTGTTCTTCTTAT-3'
Protein context (NP_000012.1, residues 146-166): MTILLVVLYK[Tyr156His]RCYKVIHAWL

ClinVar aggregate classification (germline): Uncertain significance (1 of 4 stars; one submission).

Conditions:
Alzheimer disease 3 (AD3). Also called: ALZHEIMER DISEASE, FAMILIAL, 3. Identifiers: Orphanet 1020, MedGen C1843013, MONDO:0011913, OMIM 607822.
Pick disease. Also called: LOBAR ATROPHY OF BRAIN; Pick's disease; PICK DISEASE OF BRAIN; DEMENTIA WITH LOBAR ATROPHY AND NEURONAL CYTOPLASMIC INCLUSIONS; Pick Disease of the Brain. Identifiers: Orphanet 282, MedGen C0236642, MONDO:0008243, OMIM 172700.
Frontotemporal dementia (FTD1). Also called: Frontotemporal lobe dementia (FLDEM); Dementia, frontotemporal, with or without parkinsonism; Frontotemporal Dementia with Parkinsonism-17 (FTDP-17); MULTIPLE SYSTEM TAUOPATHY WITH PRESENILE DEMENTIA; WILHELMSEN-LYNCH DISEASE; FRONTOTEMPORAL DEMENTIA WITH PARKINSONISM. Identifiers: Orphanet 282, MedGen C0338451, MONDO:0017276, OMIM 600274, HP:0002145.
Acne inversa, familial, 3 (ACNINV3). Identifiers: MedGen C3151038, MONDO:0013398, OMIM 613737.

gnomAD v4.1: 1 of 1,614,196 alleles (0.000062%); highest among the groups gnomAD compares: Non-Finnish European, 0.000085%; no homozygotes.

Submission:

Labcorp Genetics (formerly Invitae), Labcorp
Classification: Uncertain significance for Alzheimer disease 3; Pick disease; Acne inversa, familial, 3; Frontotemporal dementia. Last evaluated: 2022-03-05. Review status: criteria provided, single submitter. Criteria: Invitae Variant Classification Sherloc (09022015). Collection method: clinical testing. Allele origin: germline.
Comment: In summary, the available evidence is currently insufficient to determine the role of this variant in disease. Therefore, it has been classified as a Variant of Uncertain Significance. Advanced modeling of protein sequence and biophysical properties (such as structural, functional, and spatial information, amino acid conservation, physicochemical variation, residue mobility, and thermodynamic stability) performed at Invitae indicates that this missense variant is expected to disrupt PSEN1 protein function. This variant has not been reported in the literature in individuals affected with PSEN1-related conditions. This variant is not present in population databases (gnomAD no frequency). This sequence change replaces tyrosine, which is neutral and polar, with histidine, which is basic and polar, at codon 156 of the PSEN1 protein (p.Tyr156His).